The following is an entry in ClinVar:

ClinVar aggregate classification (germline): Pathogenic (1 of 4 stars; one submission).

Conditions:
KBG syndrome (KBGS). Also called: ANKRD11-Related KBG Syndrome. Identifiers: Orphanet 2332, MedGen C0220687, MONDO:0007846, OMIM 148050.

Submission:

Labcorp Genetics (formerly Invitae), Labcorp
Classification: Pathogenic for KBG syndrome. Last evaluated: 2025-11-24. Review status: criteria provided, single submitter. Criteria: Invitae Variant Classification Sherloc (09022015). Collection method: clinical testing. Allele origin: germline.
Comment: This sequence change creates a premature translational stop signal (p.Lys696*) in the ANKRD11 gene. It is expected to result in an absent or disrupted protein product. Loss-of-function variants in ANKRD11 are known to be pathogenic (PMID: 21782149, 25125236, 25413698, 25652421). This variant is not present in population databases (gnomAD no frequency). This variant has not been reported in the literature in individuals affected with ANKRD11-related conditions. For these reasons, this variant has been classified as Pathogenic.

Literature cited by the submitters: PubMed 21782149; PubMed 25125236; PubMed 25413698; PubMed 25652421.

NM_013275.6(ANKRD11):c.2086A>T (p.Lys696Ter)

Gene: ANKRD11 (ankyrin repeat domain 11; minus strand). Cytogenetic location: 16q24.3.
Variant type: single nucleotide variant.
Coding change: c.2086A>T on transcript NM_013275.6 (MANE Select); coding-DNA position 2086, A replaced by T.
Protein change: p.Lys696Ter; replaces lysine 696 with a stop codon.
Molecular consequence: nonsense.
Genome position (GRCh38, 1-based): chr16:89,284,456, T>A on the plus strand (A>T on the coding strand, the complement: ANKRD11 is on the minus strand). VCF-style: chr16-89284456-T-A. GRCh37 (hg19) VCF-style: chr16-89350864-T-A.
Other names: c.2086A>T, p.Lys696Ter (NM_001256182.2, NM_001256183.2); short protein forms K696*.
Identifiers: ClinVar variation 4731691 (VCV004731691.1).